The following is an entry in ClinVar:

NM_000053.4(ATP7B):c.4125-1G>T

Gene: ATP7B (ATPase copper transporting beta; minus strand). Cytogenetic location: 13q14.3.
Variant type: single nucleotide variant.
Coding change: c.4125-1G>T on transcript NM_000053.4 (MANE Select); the canonical splice acceptor site of the intron before coding-DNA position 4125, G replaced by T.
Molecular consequence: splice acceptor variant.
Genome position (GRCh38, 1-based): chr13:51,935,030, C>A on the plus strand (G>T on the coding strand, the complement: ATP7B is on the minus strand). VCF-style: chr13-51935030-C-A. GRCh37 (hg19) VCF-style: chr13-52509166-C-A.
Other names: c.3639-1G>T (NM_001406541.1, NM_001406542.1); c.3873-1G>T (NM_001406531.1, NM_001406532.1, NM_001330579.2); c.3891-1G>T (NM_001406527.1, NM_001406528.1, NM_001330578.2); c.3786-1G>T (NM_001406537.1); c.3981-1G>T (NM_001406521.1, NM_001406522.1, NM_001406520.1); c.4119-1G>T (NM_001406513.1); c.4125-1G>T (NM_001406511.1, NM_001406512.1); c.3633-1G>T (NM_001406543.1); and 21 more.
Identifiers: ClinVar variation 1162216 (VCV001162216.4), dbSNP rs1293549383, ClinGen allele CA388019875.

ClinVar aggregate classification (germline): Conflicting classifications of pathogenicity. Review status: criteria provided, conflicting classifications (1 of 4 stars). 3 submissions from 3 submitters: Pathogenic (2); Uncertain significance (1). Last evaluated 2025-07-08.

Conditions:
Wilson disease (WND). Also called: Wilson's disease. Identifiers: Orphanet 905, MedGen C0019202, MONDO:0010200, OMIM 277900. Disease mechanism: loss of function.

gnomAD v4.1: 2 of 1,613,816 alleles (0.00012%); highest among the groups gnomAD compares: Non-Finnish European, 0.00017%; no homozygotes.

Submissions (3):

Color Diagnostics, LLC DBA Color Health
Classification: Uncertain significance for Wilson disease. Last evaluated: 2025-07-08. Review status: criteria provided, single submitter. Criteria: ACMG Guidelines, 2015. Collection method: clinical testing. Allele origin: germline.
Comment: This variant causes a G to T nucleotide substitution at -1 position in intron 20 (last intron) in the ATP7B gene. To our knowledge, functional studies have not been reported for this variant. This variant has been reported in two individuals affected with Wilson disease in unknown zygosity (PMID: 34400371). This variant has not been identified in the general population by the Genome Aggregation Database (gnomAD). The available evidence is insufficient to determine the role of this variant in disease conclusively. Therefore, this variant is classified as a Variant of Uncertain Significance.

Genome-Nilou Lab
Classification: Pathogenic for Wilson disease. Last evaluated: 2021-08-10. Review status: criteria provided, single submitter. Criteria: ACMG Guidelines, 2015. Collection method: clinical testing. Allele origin: germline. Affected: no.

Inborn Errors of Metabolism Laboratory, Hospices Civils de Lyon
Classification: Pathogenic for Wilson disease. Last evaluated: 2021-06-01. Review status: criteria provided, single submitter. Criteria: ACMG Guidelines, 2015. Collection method: clinical testing. Allele origin: germline. Affected: yes. Observed: 2 variant alleles.

Literature cited by the submitters: PubMed 34400371 (cited by Color Diagnostics, LLC DBA Color Health).